The following is an entry in ClinVar:

ClinVar aggregate classification (germline): Pathogenic. Review status: criteria provided, multiple submitters, no conflicts (2 of 4 stars). 5 submissions from 5 submitters: Pathogenic (4). 1 of the submissions does not count toward it. Last evaluated 2024-03-05.

Conditions:
Curry-Hall syndrome (WAD). Also called: WEYERS ACRODENTAL DYSOSTOSIS. Identifiers: Orphanet 952, MedGen C0457013, MONDO:0008673, OMIM 193530.
Ellis-van Creveld syndrome (EVC). Also called: MESOECTODERMAL DYSPLASIA; Chondroectodermal dysplasia. Identifiers: Orphanet 289, MedGen C0013903, MONDO:0009162, OMIM 225500.

Allele frequency attached by ClinVar (database versions not stated): ExAC 0.00001; gnomAD exomes below 0.00001; gnomAD 0.00001; TOPMed 0.00001.
gnomAD v4.1: 2 of 1,613,906 alleles (0.00012%); highest among the groups gnomAD compares: African/African-American, 0.0027%; no homozygotes.

Submissions (5):

Labcorp Genetics (formerly Invitae), Labcorp
Classification: Pathogenic for Curry-Hall syndrome; Ellis-van Creveld syndrome. Last evaluated: 2024-03-05. Review status: criteria provided, single submitter. Criteria: Invitae Variant Classification Sherloc (09022015). Collection method: clinical testing. Allele origin: germline.
Comment: This sequence change creates a premature translational stop signal (p.Gln619*) in the EVC2 gene. It is expected to result in an absent or disrupted protein product. Loss-of-function variants in EVC2 are known to be pathogenic (PMID: 17024374, 19810119, 19876929). This variant is present in population databases (rs137852925, gnomAD 0.008%). This premature translational stop signal has been observed in individual(s) with Ellis-van Creveld Syndrome (PMID: 12571802). ClinVar contains an entry for this variant (Variation ID: 3384). For these reasons, this variant has been classified as Pathogenic.

Fulgent Genetics
Classification: Pathogenic for Curry-Hall syndrome; Ellis-van Creveld syndrome. Last evaluated: 2024-01-16. Review status: criteria provided, single submitter. Criteria: ACMG Guidelines, 2015. Collection method: clinical testing. Allele origin: germline.

GeneDx
Classification: Pathogenic. Last evaluated: 2024-01-16. Review status: criteria provided, single submitter. Criteria: GeneDx Variant Classification Process June 2021. Collection method: clinical testing. Allele origin: germline. Affected: yes.
Comment: Nonsense variant predicted to result in protein truncation or nonsense mediated decay in a gene for which loss of function is a known mechanism of disease; This variant is associated with the following publications: (PMID: 25525159, 26875496, 12571802)

Dasa
Classification: Pathogenic for Ellis-van Creveld syndrome. Last evaluated: 2022-01-05. Review status: criteria provided, single submitter. Criteria: ACMG Guidelines, 2015. Collection method: clinical testing. Allele origin: germline. Affected: yes. Observed: 1 variant allele.
Comment: The c.1855C>T;p.(Gln619*) variant creates a premature translational stop signal in the EVC2 gene. It is expected to result in an absent or disrupted protein product - PVS1. This sequence change has been observed in affected individual(s) and ClinVar contains an entry for this variant (ClinVar ID: 3384; PMID: 12571802) - PS4. This variant is not present in population databases (rs137852925, gnomAD; ABraOM no frequency) - PM2. In summary, the currently available evidence indicates that the variant is pathogenic.

OMIM
Classification: Pathogenic for ELLIS-VAN CREVELD SYNDROME. Last evaluated: 2003-03-01. Review status: no assertion criteria provided. Collection method: literature only. Allele origin: germline. Not counted in ClinVar's aggregate classification.

Literature cited by the submitters: PubMed 17024374 (cited by Labcorp Genetics (formerly Invitae), Labcorp); PubMed 19810119 (cited by Labcorp Genetics (formerly Invitae), Labcorp); PubMed 19876929 (cited by Labcorp Genetics (formerly Invitae), Labcorp); PubMed 12571802 (cited by 3 submitters).

NM_147127.5(EVC2):c.1855C>T (p.Gln619Ter)

Gene: EVC2 (EvC ciliary complex subunit 2; minus strand). Cytogenetic location: 4p16.2.
Variant type: single nucleotide variant.
Coding change: c.1855C>T on transcript NM_147127.5 (MANE Select); coding-DNA position 1855, C replaced by T.
Protein change: p.Gln619Ter; replaces glutamine 619 with a stop codon.
Molecular consequence: nonsense.
Genome position (GRCh38, 1-based): chr4:5,628,590, G>A on the plus strand (C>T on the coding strand, the complement: EVC2 is on the minus strand). VCF-style: chr4-5628590-G-A. GRCh37 (hg19) VCF-style: chr4-5630317-G-A.
Other names: c.1615C>T, p.Gln539Ter (NM_001166136.2); short protein forms Q619*, Q539*.
Identifiers: ClinVar variation 3384 (VCV000003384.18), dbSNP rs137852925, ClinGen allele CA116167.